The following is an entry in ClinVar:

ClinVar aggregate classification (germline): Benign/Likely benign. Review status: criteria provided, multiple submitters, no conflicts (2 of 4 stars). 2 submissions from 2 submitters: Benign (1); Likely benign (1). Last evaluated 2024-09-17.

Conditions:
Arthrogryposis, distal, type 1B. Identifiers: Orphanet 1146, MedGen C3280526, MONDO:0013698, OMIM 614335.

Allele frequency attached by ClinVar (database versions not stated): gnomAD 0.00007 and 0.00020; TOPMed 0.00009; gnomAD exomes 0.00030 and 0.00058; ESP Exome Variant Server 0.00031; 1000 Genomes Project 30x 0.00062; ExAC 0.00064; 1000 Genomes Project 0.00080.
gnomAD v4.1: 459 of 1,614,014 alleles (0.028%); highest among the groups gnomAD compares: South Asian, 0.37%; 3 homozygotes.

Submissions (2):

Blueprint Genetics
Classification: Likely benign. Last evaluated: 2024-09-17. Review status: criteria provided, single submitter. Criteria: ACMG Guidelines, 2015. Collection method: clinical testing. Allele origin: germline.

Illumina Laboratory Services, Illumina
Classification: Benign for Arthrogryposis, distal, type 1B. Last evaluated: 2018-01-13. Review status: criteria provided, single submitter. Criteria: ICSL Variant Classification Criteria 13 December 2019. Collection method: clinical testing. Allele origin: germline.
Comment: This variant was observed in the ICSL laboratory as part of a predisposition screen in an ostensibly healthy population. It had not been previously curated by ICSL or reported in the Human Gene Mutation Database (HGMD: prior to June 1st, 2018), and was therefore a candidate for classification through an automated scoring system. Utilizing variant allele frequency, disease prevalence and penetrance estimates, and inheritance mode, an automated score was calculated to assess if this variant is too frequent to cause the disease. Based on the score and internal cut-off values, a variant classified as benign is not then subjected to further curation. The score for this variant resulted in a classification of benign for this disease.

NM_002465.4(MYBPC1):c.1651C>T (p.Leu551=)

Gene: MYBPC1 (myosin binding protein C1; plus strand). Cytogenetic location: 12q23.2.
Variant type: single nucleotide variant.
Coding change: c.1651C>T on transcript NM_002465.4 (MANE Select); coding-DNA position 1651, C replaced by T.
Protein change: p.Leu551=; no amino-acid change (leucine 551 retained).
Molecular consequence: synonymous variant.
Genome position (GRCh38, 1-based): chr12:101,653,132, C>T. VCF-style: chr12-101653132-C-T. GRCh37 (hg19) VCF-style: chr12-102046910-C-T.
Other names: c.1576C>T, p.Leu526= (NM_001254718.3, NM_001254719.3, NM_206820.4 and 1 more transcripts); c.1540C>T, p.Leu514= (NM_001254720.3); c.1519C>T, p.Leu507= (NM_001254721.3, NM_001404676.1, NM_001404678.1); c.1498C>T, p.Leu500= (NM_001254722.3, NM_001404680.1); c.1537C>T, p.Leu513= (NM_001254723.3); c.1651C>T, p.Leu551= (NM_001404675.1, NM_206819.4); c.1441C>T, p.Leu481= (NM_001404677.1, NM_001404679.1, NM_001404681.1).
Identifiers: ClinVar variation 306734 (VCV000306734.8), dbSNP rs141026830, ClinGen allele CA6744849.
Genomic context (GRCh38, chr12:101,653,132, plus strand): 5'-AGAAATGACTGTCTGATAACAAAGACTATGCTTAATATTCTAGATCCTCCTAAGATCATC[C>T]TGGATGGTCTTGATGCTGACAACACAGTGACAGTGATTGCAGGAAACAAGCTTCGTCTTG-3'
Protein context (NP_002456.2, residues 541-561): VHVIDPPKII[Leu551=]DGLDADNTVT